The following is an entry in ClinVar:

NM_001466.4(FZD2):c.1640C>T (p.Ser547Leu)

Gene: FZD2 (frizzled class receptor 2; plus strand). Cytogenetic location: 17q21.31.
Variant type: single nucleotide variant.
Coding change: c.1640C>T on transcript NM_001466.4 (MANE Select); coding-DNA position 1640, C replaced by T.
Protein change: p.Ser547Leu; replaces serine 547 with leucine.
Molecular consequence: missense variant.
Genome position (GRCh38, 1-based): chr17:44,559,328, C>T. VCF-style: chr17-44559328-C-T. GRCh37 (hg19) VCF-style: chr17-42636696-C-T.
Other names: short protein forms S547L.
Identifiers: ClinVar variation 3236370 (VCV003236370.1), dbSNP rs2544585235, ClinGen allele CA399800511.

ClinVar aggregate classification (germline): Uncertain significance (1 of 4 stars; one submission).

Conditions:
Autosomal dominant omodysplasia. Identifiers: Orphanet 2733, Orphanet 93328, MedGen C2750355, MONDO:0008123, OMIM 164745.

Submission:

MVZ Medizinische Genetik Mainz
Classification: Uncertain significance for Autosomal dominant omodysplasia. Last evaluated: 2024-02-27. Review status: criteria provided, single submitter. Criteria: UK Practice Guidelines For Variant Classification V4 01 2020. Collection method: clinical testing. Allele origin: germline. Inheritance: Autosomal dominant inheritance. Affected: yes. Observed: 1 variant allele.
Comment: ACMG Criteria: PP3_MOD,PM2_SUP